The following is an entry in ClinVar:

ClinVar aggregate classification (germline): Uncertain significance (1 of 4 stars; one submission).

Submission:

Labcorp Genetics (formerly Invitae), Labcorp
Classification: Uncertain significance. Last evaluated: 2022-10-13. Review status: criteria provided, single submitter. Criteria: Invitae Variant Classification Sherloc (09022015). Collection method: clinical testing. Allele origin: germline.
Comment: In summary, the available evidence is currently insufficient to determine the role of this variant in disease. Therefore, it has been classified as a Variant of Uncertain Significance. Advanced modeling of protein sequence and biophysical properties (such as structural, functional, and spatial information, amino acid conservation, physicochemical variation, residue mobility, and thermodynamic stability) performed at Invitae indicates that this missense variant is expected to disrupt SZT2 protein function. This variant has not been reported in the literature in individuals affected with SZT2-related conditions. This variant is not present in population databases (gnomAD no frequency). This sequence change replaces serine, which is neutral and polar, with cysteine, which is neutral and slightly polar, at codon 601 of the SZT2 protein (p.Ser601Cys).

NM_001365999.1(SZT2):c.1801A>T (p.Ser601Cys)

Gene: SZT2 (SZT2 subunit of KICSTOR complex; plus strand). Cytogenetic location: 1p34.2.
Variant type: single nucleotide variant.
Coding change: c.1801A>T on transcript NM_001365999.1 (MANE Select); coding-DNA position 1801, A replaced by T.
Protein change: p.Ser601Cys; replaces serine 601 with cysteine.
Molecular consequence: missense variant.
Genome position (GRCh38, 1-based): chr1:43,422,511, A>T. VCF-style: chr1-43422511-A-T. GRCh37 (hg19) VCF-style: chr1-43888182-A-T.
Other names: c.1801A>T, p.Ser601Cys (NM_015284.4); short protein forms S601C.
Identifiers: ClinVar variation 1976020 (VCV001976020.5), dbSNP rs1652492295, ClinGen allele CA340010026.